The following is an entry in ClinVar:

ClinVar aggregate classification (germline): Uncertain significance. Review status: criteria provided, multiple submitters, no conflicts (2 of 4 stars). 2 submissions from 2 submitters: Uncertain significance (2). Last evaluated 2025-11-25.

Conditions:
Cardiovascular phenotype. Identifiers: MedGen CN230736.

Allele frequency attached by ClinVar (database versions not stated): gnomAD exomes below 0.00001; gnomAD 0.00003; TOPMed 0.00003; ESP Exome Variant Server 0.00008.
gnomAD v4.1: 6 of 1,612,444 alleles (0.00037%); highest among the groups gnomAD compares: African/African-American, 0.0053%; no homozygotes.

Submissions (2):

Labcorp Genetics (formerly Invitae), Labcorp
Classification: Uncertain significance. Last evaluated: 2025-11-25. Review status: criteria provided, single submitter. Criteria: Invitae Variant Classification Sherloc (09022015). Collection method: clinical testing. Allele origin: germline.
Comment: This sequence change replaces glycine, which is neutral and non-polar, with aspartic acid, which is acidic and polar, at codon 185 of the APOA5 protein (p.Gly185Asp). This variant is not present in population databases (gnomAD no frequency). This missense change has been observed in individual(s) with dyslipidemia (PMID: 36325899). ClinVar contains an entry for this variant (Variation ID: 1748235). An algorithm developed to predict the effect of missense changes on protein structure and function outputs the following: PolyPhen-2: "Benign". The aspartic acid amino acid residue is found in multiple mammalian species, which suggests that this missense change does not adversely affect protein function. In summary, the available evidence is currently insufficient to determine the role of this variant in disease. Therefore, it has been classified as a Variant of Uncertain Significance.

Ambry Genetics
Classification: Uncertain significance for Cardiovascular phenotype. Last evaluated: 2022-04-19. Review status: criteria provided, single submitter. Criteria: Ambry Variant Classification Scheme 2023. Collection method: clinical testing. Allele origin: germline.
Comment: The p.G185D variant (also known as c.554G>A), located in coding exon 3 of the APOA5 gene, results from a G to A substitution at nucleotide position 554. The glycine at codon 185 is replaced by aspartic acid, an amino acid with similar properties. This amino acid position is conserved. In addition, this alteration is predicted to be tolerated by in silico analysis. Since supporting evidence is limited at this time, the clinical significance of this alteration remains unclear.

Literature cited by the submitters: PubMed 36325899 (cited by Labcorp Genetics (formerly Invitae), Labcorp).

NM_001371904.1(APOA5):c.554G>A (p.Gly185Asp)

Gene: APOA5 (apolipoprotein A5; minus strand). Cytogenetic location: 11q23.3.
Variant type: single nucleotide variant.
Coding change: c.554G>A on transcript NM_001371904.1 (MANE Select); coding-DNA position 554, G replaced by A.
Protein change: p.Gly185Asp; replaces glycine 185 with aspartic acid.
Molecular consequence: missense variant.
Genome position (GRCh38, 1-based): chr11:116,790,675, C>T on the plus strand (G>A on the coding strand, the complement: APOA5 is on the minus strand). VCF-style: chr11-116790675-C-T. GRCh37 (hg19) VCF-style: chr11-116661391-C-T.
Other names: c.554G>A, p.Gly185Asp (NM_001166598.2, NM_052968.5); short protein forms G185D.
Identifiers: ClinVar variation 1748235 (VCV001748235.4), dbSNP rs144211639, ClinGen allele CA229337828.